The following is an entry in ClinVar:

NM_001386140.1(MTTP):c.734C>A (p.Thr245Asn)

Gene: MTTP (microsomal triglyceride transfer protein; plus strand). Cytogenetic location: 4q23.
Variant type: single nucleotide variant.
Coding change: c.734C>A on transcript NM_001386140.1 (MANE Select); coding-DNA position 734, C replaced by A.
Protein change: p.Thr245Asn; replaces threonine 245 with asparagine.
Molecular consequence: missense variant.
Genome position (GRCh38, 1-based): chr4:99,591,766, C>A. VCF-style: chr4-99591766-C-A. GRCh37 (hg19) VCF-style: chr4-100512923-C-A.
Other names: c.734C>A, p.Thr245Asn (NM_000253.4); c.485C>A, p.Thr162Asn (NM_001300785.2); short protein forms T162N, T245N.
Identifiers: ClinVar variation 1361121 (VCV001361121.8), dbSNP rs767533885, ClinGen allele CA357505511.
Genomic context (GRCh38, chr4:99,591,766, plus strand): 5'-GCTTTGTTATAGCTGTGCTTGCTGAAGAAACACACAATTTTGGACTGAATTTCCTACAAA[C>A]CATTAAGGGGAAAATAGTATCGAAGTAAGATAATGCTAAAATTTTTATTTTCTTTGCTAT-3'
Protein context (NP_001373069.1, residues 235-255): THNFGLNFLQ[Thr245Asn]IKGKIVSKQK

ClinVar aggregate classification (germline): Uncertain significance (1 of 4 stars; one submission).

Submission:

Labcorp Genetics (formerly Invitae), Labcorp
Classification: Uncertain significance. Last evaluated: 2022-07-12. Review status: criteria provided, single submitter. Criteria: Invitae Variant Classification Sherloc (09022015). Collection method: clinical testing. Allele origin: germline.
Comment: In summary, the available evidence is currently insufficient to determine the role of this variant in disease. Therefore, it has been classified as a Variant of Uncertain Significance. Algorithms developed to predict the effect of missense changes on protein structure and function output the following: SIFT: "Tolerated"; PolyPhen-2: "Benign"; Align-GVGD: "Class C0". The asparagine amino acid residue is found in multiple mammalian species, which suggests that this missense change does not adversely affect protein function. ClinVar contains an entry for this variant (Variation ID: 1361121). This variant has not been reported in the literature in individuals affected with MTTP-related conditions. This variant is not present in population databases (gnomAD no frequency). This sequence change replaces threonine, which is neutral and polar, with asparagine, which is neutral and polar, at codon 245 of the MTTP protein (p.Thr245Asn).